The following is an entry in ClinVar:

NM_000506.5(F2):c.691G>A (p.Gly231Arg)

Gene: F2 (coagulation factor II, thrombin; plus strand). Cytogenetic location: 11p11.2.
Variant type: single nucleotide variant.
Coding change: c.691G>A on transcript NM_000506.5 (MANE Select); coding-DNA position 691, G replaced by A.
Protein change: p.Gly231Arg; replaces glycine 231 with arginine.
Molecular consequence: missense variant.
Genome position (GRCh38, 1-based): chr11:46,725,990, G>A. VCF-style: chr11-46725990-G-A. GRCh37 (hg19) VCF-style: chr11-46747540-G-A.
Other names: short protein forms G231R.
Identifiers: ClinVar variation 5007869 (VCV005007869.2).

ClinVar aggregate classification (germline): Uncertain significance (1 of 4 stars; one submission).

Conditions:
Congenital prothrombin deficiency. Also called: Inherited hypoprothrombinemia; Congenital factor II deficiency; Inherited prothrombin deficiency; HYPOPROTHROMBINEMIA; Factor II deficiency; Hereditary factor II deficiency disease. Identifiers: Orphanet 325, MedGen C0272317, MONDO:0013361, OMIM 613679.
Thrombophilia due to thrombin defect (THPH1). Also called: Thrombosis susceptibility; THROMBOPHILIA DUE TO FACTOR 2 DEFECT; Prothrombin-Related Thrombophilia (Factor II); Prothrombin Thrombophilia. Identifiers: MedGen C3160733, MONDO:0008559, OMIM 188050. Disease mechanism: gain of function, loss of function.
Pregnancy loss, recurrent, susceptibility to, 2 (RPRGL2). Identifiers: MedGen C3280672, MONDO:0013728, OMIM 614390.
Ischemic stroke. Also called: Ischemic stroke, susceptibility to; CEREBROVASCULAR ACCIDENT. Identifiers: MedGen C0948008, MONDO:1060198, OMIM 601367, HP:0002140.

gnomAD v4.1: 1 of 1,613,954 alleles (0.000062%); highest among the groups gnomAD compares: Non-Finnish European, 0.000085%; no homozygotes.

Submission:

Juno Genomics, Hangzhou Juno Genomics, Inc
Classification: Uncertain significance for Pregnancy loss, recurrent, susceptibility to, 2; Ischemic stroke; Congenital prothrombin deficiency; Thrombophilia due to thrombin defect. Review status: criteria provided, single submitter. Criteria: ACMG Guidelines, 2015. Collection method: clinical testing. Allele origin: germline.
Comment: Absent from controls (or at extremely low frequency if recessive) in Genome Aggregation Database.;Multiple lines of computational evidence support a deleterious effect on the gene or gene product.